The following is an entry in ClinVar:

NM_024513.4(FYCO1):c.1048G>A (p.Glu350Lys)

Gene: FYCO1 (FYVE and coiled-coil domain autophagy adaptor 1; minus strand). Cytogenetic location: 3p21.31.
Variant type: single nucleotide variant.
Coding change: c.1048G>A on transcript NM_024513.4 (MANE Select); coding-DNA position 1048, G replaced by A.
Protein change: p.Glu350Lys; replaces glutamic acid 350 with lysine.
Molecular consequence: missense variant. On other transcripts: non-coding transcript variant (1).
Genome position (GRCh38, 1-based): chr3:45,968,286, C>T on the plus strand (G>A on the coding strand, the complement: FYCO1 is on the minus strand). VCF-style: chr3-45968286-C-T. GRCh37 (hg19) VCF-style: chr3-46009778-C-T.
Other names: c.1048G>A, p.Glu350Lys (NM_001386421.1, NM_001386422.1, NM_001386423.1 and 4 more transcripts); c.928G>A, p.Glu310Lys (NM_001386426.1); c.904G>A, p.Glu302Lys (NM_001386427.1); c.448G>A, p.Glu150Lys (NM_001386430.1); short protein forms E150K, E302K, E310K, E350K.
Identifiers: ClinVar variation 5018238 (VCV005018238.1).

ClinVar aggregate classification (germline): Uncertain significance (1 of 4 stars; one submission).

gnomAD v4.1: 12 of 1,613,852 alleles (0.00074%); highest among the groups gnomAD compares: South Asian, 0.0011%; no homozygotes.

Submission:

GeneDx
Classification: Uncertain significance. Last evaluated: 2026-04-08. Review status: criteria provided, single submitter. Criteria: GeneDx Variant Classification Process June 2021. Collection method: clinical testing. Allele origin: germline.
Comment: Not observed at significant frequency in large population cohorts (gnomAD); In silico analysis suggests that this missense variant does not alter protein structure/function; Has not been previously published as pathogenic or benign to our knowledge